The following is an entry in ClinVar:

ClinVar aggregate classification (germline): Benign. Review status: criteria provided, multiple submitters, no conflicts (2 of 4 stars). 2 submissions from 2 submitters: Benign (2). Last evaluated 2018-01-13.

Conditions:
Chondrodysplasia with joint dislocations, gPAPP type. Also called: GPAPP DEFICIENCY. Identifiers: Orphanet 280586, MedGen C3279757, MONDO:0013561, OMIM 614078.

Allele frequency attached by ClinVar (database versions not stated): 1000 Genomes Project 0.88239; 1000 Genomes Project 30x 0.88320; gnomAD 0.88431 and 0.88544; TOPMed 0.88992; gnomAD exomes 0.96875.
gnomAD v4.1: 134,625 of 152,188 alleles (88%); highest among the groups gnomAD compares: Admixed American, 92%; 59,581 homozygotes.

Submissions (2):

Illumina Laboratory Services, Illumina
Classification: Benign for Chondrodysplasia with joint dislocations, gPAPP type. Last evaluated: 2018-01-13. Review status: criteria provided, single submitter. Criteria: ICSL Variant Classification Criteria 13 December 2019. Collection method: clinical testing. Allele origin: germline.
Comment: This variant was observed in the ICSL laboratory as part of a predisposition screen in an ostensibly healthy population. It had not been previously curated by ICSL or reported in the Human Gene Mutation Database (HGMD: prior to June 1st, 2018), and was therefore a candidate for classification through an automated scoring system. Utilizing variant allele frequency, disease prevalence and penetrance estimates, and inheritance mode, an automated score was calculated to assess if this variant is too frequent to cause the disease. Based on the score and internal cut-off values, a variant classified as benign is not then subjected to further curation. The score for this variant resulted in a classification of benign for this disease.

Breakthrough Genomics
Classification: Benign. Review status: criteria provided, single submitter. Criteria: ACMG Guidelines, 2015. Collection method: not provided. Allele origin: germline. Inheritance: Autosomal recessive inheritance. Affected: yes.

NM_017813.5(BPNT2):c.*5505A>G

Gene: BPNT2 (3'(2'), 5'-bisphosphate nucleotidase 2; minus strand). Cytogenetic location: 8q12.1.
Variant type: single nucleotide variant.
Coding change: c.*5505A>G on transcript NM_017813.5 (MANE Select); 5505 bases downstream of the stop codon, A replaced by G.
Molecular consequence: 3 prime UTR variant.
Genome position (GRCh38, 1-based): chr8:56,958,288, T>C on the plus strand (A>G on the coding strand, the complement: BPNT2 is on the minus strand). VCF-style: chr8-56958288-T-C. GRCh37 (hg19) VCF-style: chr8-57870847-T-C.
Identifiers: ClinVar variation 363327 (VCV000363327.6), dbSNP rs8718, ClinGen allele CA10627995.